The following is an entry in ClinVar:

ClinVar aggregate classification (germline): Pathogenic. Review status: criteria provided, multiple submitters, no conflicts (2 of 4 stars). 2 submissions from 2 submitters: Pathogenic (2). Last evaluated 2026-04-14.

Conditions:
Familial intrahepatic cholestasis. Identifiers: Orphanet 284385, MedGen CN296401, MONDO:0017290.

Submissions (2):

Genomenon, Inc
Classification: Pathogenic for Familial intrahepatic cholestasis. Last evaluated: 2026-04-14. Review status: criteria provided, single submitter. Criteria: Genomenon Sequence Variant Interpretation Standards - Updated. Collection method: curation. Allele origin: germline. Affected: yes.
Comment: ABCB11 p.Tyr93Ter (c.279C>A) is a nonsense variant that introduces a premature stop codon at amino acid position 93, creating a truncated protein that is predicted to undergo nonsense-mediated mRNA decay. This variant has been observed in at least one proband with an ABCB11-related disorder (PMID:28733223). It is absent or not present at a significant frequency in gnomAD. In conclusion, we classify ABCB11 p.Tyr93Ter (c.279C>A) as a pathogenic variant.

Labcorp Genetics (formerly Invitae), Labcorp
Classification: Pathogenic. Last evaluated: 2023-12-05. Review status: criteria provided, single submitter. Criteria: Invitae Variant Classification Sherloc (09022015). Collection method: clinical testing. Allele origin: germline.
Comment: This sequence change creates a premature translational stop signal (p.Tyr93*) in the ABCB11 gene. It is expected to result in an absent or disrupted protein product. Loss-of-function variants in ABCB11 are known to be pathogenic (PMID: 18395098, 20232290). This variant is not present in population databases (gnomAD no frequency). This premature translational stop signal has been observed in individual(s) with cholestasis (PMID: 28733223). Algorithms developed to predict the effect of sequence changes on RNA splicing suggest that this variant may disrupt the consensus splice site. For these reasons, this variant has been classified as Pathogenic.

Literature cited by the submitters: PubMed 28733223 (cited by Genomenon, Inc and Labcorp Genetics (formerly Invitae), Labcorp); PubMed 18395098 (cited by Labcorp Genetics (formerly Invitae), Labcorp); PubMed 20232290 (cited by Labcorp Genetics (formerly Invitae), Labcorp).

NM_003742.4(ABCB11):c.279C>A (p.Tyr93Ter)

Gene: ABCB11 (ATP binding cassette subfamily B member 11; minus strand). Cytogenetic location: 2q31.1.
Variant type: single nucleotide variant.
Coding change: c.279C>A on transcript NM_003742.4 (MANE Select); coding-DNA position 279, C replaced by A.
Protein change: p.Tyr93Ter; replaces tyrosine 93 with a stop codon.
Molecular consequence: nonsense.
Genome position (GRCh38, 1-based): chr2:169,013,382, G>T on the plus strand (C>A on the coding strand, the complement: ABCB11 is on the minus strand). VCF-style: chr2-169013382-G-T. GRCh37 (hg19) VCF-style: chr2-169869892-G-T.
Other names: short protein forms Y93*.
Identifiers: ClinVar variation 2910150 (VCV002910150.4), dbSNP rs375137002, ClinGen allele CA349105084.